The following is an entry in ClinVar:

ClinVar aggregate classification (germline): Uncertain significance (1 of 4 stars; one submission).

Conditions:
Inborn genetic diseases. Identifiers: MedGen C0950123, MeSH D030342.

Allele frequency attached by ClinVar (database versions not stated): gnomAD exomes 0.00001; ExAC 0.00002.
gnomAD v4.1: 4 of 1,614,096 alleles (0.00025%); highest among the groups gnomAD compares: Admixed American, 0.0067%; no homozygotes.

Submission:

Ambry Genetics
Classification: Uncertain significance for Inborn genetic diseases. Last evaluated: 2024-01-05. Review status: criteria provided, single submitter. Criteria: Ambry Variant Classification Scheme 2023. Collection method: clinical testing. Allele origin: germline.
Comment: The p.G295A variant (also known as c.884G>C), located in coding exon 8 of the MDH2 gene, results from a G to C substitution at nucleotide position 884. The glycine at codon 295 is replaced by alanine, an amino acid with similar properties. This amino acid position is conserved. In addition, this alteration is predicted to be deleterious by in silico analysis. Since supporting evidence is limited at this time, the clinical significance of this alteration remains unclear.

NM_005918.4(MDH2):c.884G>C (p.Gly295Ala)

Gene: MDH2 (malate dehydrogenase 2; plus strand). Cytogenetic location: 7q11.23.
Variant type: single nucleotide variant.
Coding change: c.884G>C on transcript NM_005918.4 (MANE Select); coding-DNA position 884, G replaced by C.
Protein change: p.Gly295Ala; replaces glycine 295 with alanine.
Molecular consequence: missense variant.
Genome position (GRCh38, 1-based): chr7:76,064,952, G>C. VCF-style: chr7-76064952-G-C. GRCh37 (hg19) VCF-style: chr7-75694270-G-C.
Other names: c.758G>C, p.Gly253Ala (NM_001282403.2); c.563G>C, p.Gly188Ala (NM_001282404.2); short protein forms G188A, G253A, G295A.
Identifiers: ClinVar variation 3225221 (VCV003225221.1), dbSNP rs782048786, ClinGen allele CA4305736.